The following is an entry in ClinVar:

ClinVar aggregate classification (germline): Uncertain significance (1 of 4 stars; one submission).

Allele frequency attached by ClinVar (database versions not stated): gnomAD exomes below 0.00001.
gnomAD v4.1: 1 of 1,601,804 alleles (0.000062%); highest among the groups gnomAD compares: Non-Finnish European, 0.000086%; no homozygotes.

Submission:

Labcorp Genetics (formerly Invitae), Labcorp
Classification: Uncertain significance. Last evaluated: 2022-03-16. Review status: criteria provided, single submitter. Criteria: Invitae Variant Classification Sherloc (09022015). Collection method: clinical testing. Allele origin: germline.
Comment: This sequence change replaces lysine, which is basic and polar, with glutamic acid, which is acidic and polar, at codon 429 of the GEN1 protein (p.Lys429Glu). This variant is not present in population databases (gnomAD no frequency). This variant has not been reported in the literature in individuals affected with GEN1-related conditions. Algorithms developed to predict the effect of missense changes on protein structure and function (SIFT, PolyPhen-2, Align-GVGD) all suggest that this variant is likely to be tolerated. In summary, the available evidence is currently insufficient to determine the role of this variant in disease. Therefore, it has been classified as a Variant of Uncertain Significance.

NM_001130009.3(GEN1):c.1285A>G (p.Lys429Glu)

Gene: GEN1 (GEN1 structure-specific endonuclease; plus strand). Cytogenetic location: 2p24.2.
Variant type: single nucleotide variant.
Coding change: c.1285A>G on transcript NM_001130009.3 (MANE Select); coding-DNA position 1285, A replaced by G.
Protein change: p.Lys429Glu; replaces lysine 429 with glutamic acid.
Molecular consequence: missense variant.
Genome position (GRCh38, 1-based): chr2:17,779,998, A>G. VCF-style: chr2-17779998-A-G. GRCh37 (hg19) VCF-style: chr2-17961265-A-G.
Other names: c.1285A>G, p.Lys429Glu (NM_182625.5); short protein forms K429E.
Identifiers: ClinVar variation 2112951 (VCV002112951.4), dbSNP rs2545623106, ClinGen allele CA345923627.